The following is an entry in ClinVar:

NM_000419.5(ITGA2B):c.1785del (p.Ile596fs)

Gene: ITGA2B (integrin subunit alpha 2b; minus strand). Cytogenetic location: 17q21.31.
Variant type: Deletion.
Coding change: c.1785del on transcript NM_000419.5 (MANE Select); coding-DNA position 1785, one base deleted (C; older notation c.1785delC).
Protein change: p.Ile596fs; shifts the reading frame from isoleucine 596.
Molecular consequence: frameshift variant.
Genome position (GRCh38, 1-based): chr17:44,379,782, G deleted on the plus strand (C on the coding strand, the reverse complement: ITGA2B is on the minus strand); the first of 4 consecutive G bases (chr17:44,379,782-44,379,785); deleting any one gives the same sequence. VCF-style (leftmost placement, unchanged base first): chr17-44379781-TG-T. GRCh37 (hg19) VCF-style: chr17-42457149-TG-T.
Other names: short protein forms I596fs.
Identifiers: ClinVar variation 4857327 (VCV004857327.1).

ClinVar aggregate classification (germline): Pathogenic (1 of 4 stars; one submission).

Conditions:
Bleeding and platelet disorders.

Submission:

North West Genomic Laboratory Hub, Manchester University NHS Foundation Trust
Classification: Pathogenic for Bleeding and platelet disorders. Last evaluated: 2025-05-09. Review status: criteria provided, single submitter. Criteria: ACGS Best Practice Guidelines for Variant Classification in Rare Disease 2024. Collection method: clinical testing. Allele origin: germline. Affected: yes.
Comment: PM3_Supp PVS1_VStr PM2_Mod